The following is an entry in ClinVar:

NM_001364905.1(LRBA):c.7381C>T (p.Arg2461Ter)

Gene: LRBA (LPS responsive beige-like anchor protein; minus strand). Cytogenetic location: 4q31.3.
Variant type: single nucleotide variant.
Coding change: c.7381C>T on transcript NM_001364905.1 (MANE Select); coding-DNA position 7381, C replaced by T.
Protein change: p.Arg2461Ter; replaces arginine 2461 with a stop codon.
Molecular consequence: nonsense.
Genome position (GRCh38, 1-based): chr4:150,325,880, G>A on the plus strand (C>T on the coding strand, the complement: LRBA is on the minus strand). VCF-style: chr4-150325880-G-A. GRCh37 (hg19) VCF-style: chr4-151247032-G-A.
Other names: c.7381C>T, p.Arg2461Ter (NM_001199282.3, NM_001367550.1); c.7414C>T, p.Arg2472Ter (NM_006726.5); short protein forms R2461*, R2472*.
Identifiers: ClinVar variation 816968 (VCV000816968.6), dbSNP rs1004337827, ClinGen allele CA108321156.

ClinVar aggregate classification (germline): Pathogenic/Likely pathogenic. Review status: criteria provided, multiple submitters, no conflicts (2 of 4 stars). 2 submissions from 2 submitters: Pathogenic (1); Likely pathogenic (1). Last evaluated 2025-08-29.

Conditions:
Combined immunodeficiency due to LRBA deficiency. Also called: Common variable immunodeficiency 8, with autoimmunity. Identifiers: Orphanet 445018, MedGen C3553512, MONDO:0013863, OMIM 614700.

Allele frequency attached by ClinVar (database versions not stated): TOPMed below 0.00001; gnomAD 0.00001; gnomAD exomes 0.00001.
gnomAD v4.1: 8 of 1,612,224 alleles (0.0005%); highest among the groups gnomAD compares: Non-Finnish European, 0.00068%; no homozygotes.

Submissions (2):

Labcorp Genetics (formerly Invitae), Labcorp
Classification: Pathogenic for Combined immunodeficiency due to LRBA deficiency. Last evaluated: 2025-08-29. Review status: criteria provided, single submitter. Criteria: Invitae Variant Classification Sherloc (09022015). Collection method: clinical testing. Allele origin: germline.
Comment: This sequence change creates a premature translational stop signal (p.Arg2472*) in the LRBA gene. It is expected to result in an absent or disrupted protein product. Loss-of-function variants in LRBA are known to be pathogenic (PMID: 26206937, 26768763). This variant is not present in population databases (gnomAD no frequency). This variant has not been reported in the literature in individuals affected with LRBA-related conditions. ClinVar contains an entry for this variant (Variation ID: 816968). For these reasons, this variant has been classified as Pathogenic.

GeneDx
Classification: Likely pathogenic. Last evaluated: 2019-01-29. Review status: criteria provided, single submitter. Criteria: GeneDx Variant Classification (06012015). Collection method: clinical testing. Allele origin: germline. Affected: yes.
Comment: The R2472X variant in the LRBA gene has not been reported previously as a pathogenic variant nor as a benign variant, to our knowledge. This variant is predicted to cause loss of normal protein function either through protein truncation or nonsense-mediated mRNA decay. The R2472X variant is not observed in large population cohorts (Lek et al., 2016). We interpret R2472X as a likely pathogenic variant.

Literature cited by the submitters: PubMed 26206937 (cited by Labcorp Genetics (formerly Invitae), Labcorp); PubMed 26768763 (cited by Labcorp Genetics (formerly Invitae), Labcorp).